The following is an entry in ClinVar:

ClinVar aggregate classification (germline): Uncertain significance (1 of 4 stars; one submission).

Conditions:
Immunodeficiency 104. Also called: Severe combined immunodeficiency, autosomal recessive, T cell-negative, B cell-positive, NK cell-positive; SCID, AUTOSOMAL RECESSIVE, T CELL-NEGATIVE, B CELL-POSITIVE, NK CELL-POSITIVE; Severe Combined Immune Deficiency, Autosomal Recessive, TCell -Negative, B Cell-Positive, NK Cell-Positive, IL7R-Related; IMMUNODEFICIENCY 104, SEVERE COMBINED. Identifiers: MedGen C5676890, MONDO:0012163, OMIM 608971.

Allele frequency attached by ClinVar (database versions not stated): gnomAD exomes below 0.00001; TOPMed 0.00001; ESP Exome Variant Server 0.00008.
gnomAD v4.1: 1 of 1,605,824 alleles (0.000062%); highest among the groups gnomAD compares: Non-Finnish European, 0.000085%; no homozygotes.

Submission:

Labcorp Genetics (formerly Invitae), Labcorp
Classification: Uncertain significance for Immunodeficiency 104. Last evaluated: 2021-12-31. Review status: criteria provided, single submitter. Criteria: Invitae Variant Classification Sherloc (09022015). Collection method: clinical testing. Allele origin: germline.
Comment: This sequence change replaces asparagine, which is neutral and polar, with aspartic acid, which is acidic and polar, at codon 913 of the PTPRC protein (p.Asn913Asp). This variant is not present in population databases (gnomAD no frequency). This variant has not been reported in the literature in individuals affected with PTPRC-related conditions. Algorithms developed to predict the effect of missense changes on protein structure and function are either unavailable or do not agree on the potential impact of this missense change (SIFT: "Deleterious"; PolyPhen-2: "Probably Damaging"; Align-GVGD: "Class C15"). In summary, the available evidence is currently insufficient to determine the role of this variant in disease. Therefore, it has been classified as a Variant of Uncertain Significance.

NM_002838.5(PTPRC):c.2737A>G (p.Asn913Asp)

Gene: PTPRC (protein tyrosine phosphatase receptor type C; plus strand). Cytogenetic location: 1q32.1.
Variant type: single nucleotide variant.
Coding change: c.2737A>G on transcript NM_002838.5 (MANE Select); coding-DNA position 2737, A replaced by G.
Protein change: p.Asn913Asp; replaces asparagine 913 with aspartic acid.
Molecular consequence: missense variant.
Genome position (GRCh38, 1-based): chr1:198,744,093, A>G. VCF-style: chr1-198744093-A-G. GRCh37 (hg19) VCF-style: chr1-198713222-A-G.
Other names: c.2254A>G, p.Asn752Asp (NM_080921.4); short protein forms N752D, N913D.
Identifiers: ClinVar variation 1909930 (VCV001909930.2), dbSNP rs370225108, ClinGen allele CA35910658.
Genomic context (GRCh38, chr1:198,744,093, plus strand): 5'-TATTTGTTCTTGAAATTGTAGGCCCAGTACATCTTGATCCATCAGGCTTTGGTGGAATAC[A>G]ATCAGTTTGGAGAAACAGAAGTGAATTTGTCTGAATTACATCCATATCTACATAACATGA-3'
Protein context (NP_002829.3, residues 903-923): ILIHQALVEY[Asn913Asp]QFGETEVNLS